The following is an entry in ClinVar:

ClinVar aggregate classification (germline): Uncertain significance. Review status: criteria provided, multiple submitters, no conflicts (2 of 4 stars). 3 submissions from 3 submitters: Uncertain significance (2). 1 of the submissions does not count toward it. Last evaluated 2024-05-08.

Conditions:
Hereditary cancer-predisposing syndrome. Also called: Tumor predisposition; Hereditary neoplastic syndrome; Hereditary Cancer Syndrome; Neoplastic Syndromes, Hereditary. Identifiers: Orphanet 140162, MedGen C0027672, MeSH D009386, MONDO:0015356.
Bloom syndrome (BLM). Also called: Bloom-Torre-Machacek syndrome. Identifiers: Orphanet 125, MedGen C0005859, MONDO:0008876, OMIM 210900.

Allele frequency attached by ClinVar (database versions not stated): TOPMed below 0.00001; gnomAD exomes 0.00001; ExAC 0.00003.

Submissions (3):

Labcorp Genetics (formerly Invitae), Labcorp
Classification: Uncertain significance for Bloom syndrome. Last evaluated: 2024-05-08. Review status: criteria provided, single submitter. Criteria: Invitae Variant Classification Sherloc (09022015). Collection method: clinical testing. Allele origin: germline.
Comment: This sequence change replaces methionine, which is neutral and non-polar, with valine, which is neutral and non-polar, at codon 1190 of the BLM protein (p.Met1190Val). This variant is present in population databases (rs764005828, gnomAD 0.003%). This variant has not been reported in the literature in individuals affected with BLM-related conditions. ClinVar contains an entry for this variant (Variation ID: 935844). Advanced modeling of protein sequence and biophysical properties (such as structural, functional, and spatial information, amino acid conservation, physicochemical variation, residue mobility, and thermodynamic stability) performed at Invitae indicates that this missense variant is not expected to disrupt BLM protein function with a negative predictive value of 80%. In summary, the available evidence is currently insufficient to determine the role of this variant in disease. Therefore, it has been classified as a Variant of Uncertain Significance.

Ambry Genetics
Classification: Uncertain significance for Hereditary cancer-predisposing syndrome. Last evaluated: 2023-02-02. Review status: criteria provided, single submitter. Criteria: Ambry Variant Classification Scheme 2023. Collection method: clinical testing. Allele origin: germline.
Comment: The p.M1190V variant (also known as c.3568A>G), located in coding exon 18 of the BLM gene, results from an A to G substitution at nucleotide position 3568. The methionine at codon 1190 is replaced by valine, an amino acid with highly similar properties. This amino acid position is conserved. In addition, this alteration is predicted to be tolerated by in silico analysis. Since supporting evidence is limited at this time, the clinical significance of this alteration remains unclear.

Natera, Inc.
Classification: Uncertain significance for Bloom syndrome. Last evaluated: 2021-02-12. Review status: no assertion criteria provided. Collection method: clinical testing. Allele origin: germline. Not counted in ClinVar's aggregate classification.

NM_000057.4(BLM):c.3568A>G (p.Met1190Val)

Gene: BLM (BLM RecQ like helicase; plus strand). Cytogenetic location: 15q26.1.
Variant type: single nucleotide variant.
Coding change: c.3568A>G on transcript NM_000057.4 (MANE Select); coding-DNA position 3568, A replaced by G.
Protein change: p.Met1190Val; replaces methionine 1190 with valine.
Molecular consequence: missense variant. On other transcripts: intron variant (1).
Genome position (GRCh38, 1-based): chr15:90,804,176, A>G. VCF-style: chr15-90804176-A-G. GRCh37 (hg19) VCF-style: chr15-91347406-A-G.
Other names: c.3568A>G, p.Met1190Val (NM_001287246.2); c.2443A>G, p.Met815Val (NM_001287248.2); c.3359-4961A>G (NM_001287247.2); c.3568A>G (NM_000057.2); short protein forms M1190V, M815V.
Identifiers: ClinVar variation 935844 (VCV000935844.11), dbSNP rs764005828, ClinGen allele CA7739082.